The following is an entry in ClinVar:

NM_004656.4(BAP1):c.294C>T (p.Ser98=)

Gene: BAP1 (BRCA1 associated deubiquitinase 1; minus strand). Cytogenetic location: 3p21.1.
Variant type: single nucleotide variant.
Coding change: c.294C>T on transcript NM_004656.4 (MANE Select); coding-DNA position 294, C replaced by T.
Protein change: p.Ser98=; no amino-acid change (serine 98 retained).
Molecular consequence: synonymous variant.
Genome position (GRCh38, 1-based): chr3:52,408,039, G>A on the plus strand (C>T on the coding strand, the complement: BAP1 is on the minus strand). VCF-style: chr3-52408039-G-A. GRCh37 (hg19) VCF-style: chr3-52442055-G-A.
Other names: c.294C>T (LRG_529t1).
Identifiers: ClinVar variation 259517 (VCV000259517.78), dbSNP rs140641333, ClinGen allele CA2437129.
Genomic context (GRCh38, chr3:52,408,039, plus strand): 5'-GAAGTCCTTCATGCGACTCAGGGTGGGTCCCAGGTCCACGCTGCTGCAGTTCAGGAGCAC[G>A]CTCAGCAAGGCATGAGTTGCACAAGAGTTGGGTATCAGCTGTGAAACCAAGAATAGTCAC-3'
Protein context (NP_004647.1, residues 88-108): PNSCATHALL[Ser98=]VLLNCSSVDL

ClinVar aggregate classification (germline): Benign/Likely benign. Review status: criteria provided, multiple submitters, no conflicts (2 of 4 stars). 14 submissions from 14 submitters: Benign (5); Likely benign (9). Last evaluated 2026-08-01.

Conditions:
Kury-Isidor syndrome (KURIS). Identifiers: MedGen C5676925, MONDO:0859230, OMIM 619762.
BAP1-related tumor predisposition syndrome (TPDS1). Also called: COMMON Syndrome; TUMOR PREDISPOSITION SYNDROME 1; BAP1 tumor predisposition syndrome; Tumor susceptibility linked to germline BAP1 mutations. Identifiers: Orphanet 289539, MedGen C3280492, MONDO:0013692, OMIM 614327.
Melanoma, uveal, susceptibility to, 2 (UVM2). Also called: Melanoma, uveal 2. Identifiers: Orphanet 39044, MedGen C1847723, MONDO:0011696, OMIM 606661.
Hereditary cancer-predisposing syndrome. Also called: Hereditary neoplastic syndrome; Hereditary Cancer Syndrome; Neoplastic Syndromes, Hereditary; Tumor predisposition. Identifiers: Orphanet 140162, MedGen C0027672, MeSH D009386, MONDO:0015356.

Allele frequency attached by ClinVar (database versions not stated): 1000 Genomes Project 30x 0.00031; gnomAD exomes 0.00033 and 0.00060; 1000 Genomes Project 0.00040; ExAC 0.00045; TOPMed 0.00053; gnomAD 0.00054 and 0.00056; ESP Exome Variant Server 0.00077.
gnomAD v4.1: 951 of 1,612,748 alleles (0.059%); highest among the groups gnomAD compares: Non-Finnish European, 0.076%; 1 homozygote.

Submissions (14):

CeGaT Center for Human Genetics Tuebingen
Classification: Likely benign. Last evaluated: 2026-08-01. Review status: criteria provided, single submitter. Criteria: CeGaT Center For Human Genetics Tuebingen Variant Classification Criteria Version 2. Collection method: clinical testing. Allele origin: germline. Affected: yes. Observed: 17 variant alleles.
Comment: BAP1: BP4, BP7

Labcorp Genetics (formerly Invitae), Labcorp
Classification: Benign for BAP1-related tumor predisposition syndrome. Last evaluated: 2026-01-31. Review status: criteria provided, single submitter. Criteria: Invitae Variant Classification Sherloc (09022015). Collection method: clinical testing. Allele origin: germline.

Quest Diagnostics Nichols Institute San Juan Capistrano
Classification: Benign. Last evaluated: 2025-08-20. Review status: criteria provided, single submitter. Criteria: Quest Diagnostics criteria. Collection method: clinical testing. Allele origin: unknown.

Center for Genomic Medicine, Rigshospitalet, Copenhagen University Hospital
Classification: Likely benign. Last evaluated: 2025-03-04. Review status: criteria provided, single submitter. Criteria: ACMG Guidelines, 2015. Collection method: clinical testing. Allele origin: germline.

Blueprint Genetics
Classification: Likely benign. Last evaluated: 2024-07-19. Review status: criteria provided, single submitter. Criteria: ACMG Guidelines, 2015. Collection method: clinical testing. Allele origin: germline.

Myriad Genetics, Inc.
Classification: Benign for BAP1-related tumor predisposition syndrome. Last evaluated: 2024-07-12. Review status: criteria provided, single submitter. Criteria: Myriad Autosomal Dominant, Autosomal Recessive and X-Linked Classification Criteria (2023). Collection method: clinical testing. Allele origin: unknown.
Comment: This variant is considered benign. This variant is a silent/synonymous amino acid change and it is not expected to impact splicing.

Department of Pathology and Laboratory Medicine, Sinai Health System
Classification: Likely benign for Melanoma, uveal, susceptibility to, 2; BAP1-related tumor predisposition syndrome; Kury-Isidor syndrome. Last evaluated: 2024-01-04. Review status: criteria provided, single submitter. Criteria: ACMG Guidelines, 2015. Collection method: clinical testing. Allele origin: germline. Affected: yes.

Sema4
Classification: Benign for Hereditary cancer-predisposing syndrome. Last evaluated: 2021-09-11. Review status: criteria provided, single submitter. Criteria: Sema4 Curation Guidelines. Collection method: curation. Allele origin: germline.

ARUP Laboratories, Molecular Genetics and Genomics, ARUP Laboratories
Classification: Likely benign for BAP1-related tumor predisposition syndrome. Last evaluated: 2019-09-14. Review status: criteria provided, single submitter. Criteria: ARUP Molecular Germline Variant Investigation Process. Collection method: clinical testing. Allele origin: germline.

Illumina Laboratory Services, Illumina
Classification: Benign for BAP1-related tumor predisposition syndrome. Last evaluated: 2018-01-13. Review status: criteria provided, single submitter. Criteria: ICSL Variant Classification Criteria 13 December 2019. Collection method: clinical testing. Allele origin: germline.
Comment: This variant was observed in the ICSL laboratory as part of a predisposition screen in an ostensibly healthy population. It had not been previously curated by ICSL or reported in the Human Gene Mutation Database (HGMD: prior to June 1st, 2018), and was therefore a candidate for classification through an automated scoring system. Utilizing variant allele frequency, disease prevalence and penetrance estimates, and inheritance mode, an automated score was calculated to assess if this variant is too frequent to cause the disease. Based on the score and internal cut-off values, a variant classified as benign is not then subjected to further curation. The score for this variant resulted in a classification of benign for this disease.

GeneDx
Classification: Likely benign. Last evaluated: 2016-08-11. Review status: criteria provided, single submitter. Criteria: GeneDx Variant Classification (06012015). Collection method: clinical testing. Allele origin: germline. Affected: yes.
Comment: This variant is considered likely benign or benign based on one or more of the following criteria: it is a conservative change, it occurs at a poorly conserved position in the protein, it is predicted to be benign by multiple in silico algorithms, and/or has population frequency not consistent with disease.

Color Diagnostics, LLC DBA Color Health
Classification: Likely benign for Hereditary cancer-predisposing syndrome. Last evaluated: 2016-03-09. Review status: criteria provided, single submitter. Criteria: ACMG Guidelines, 2015. Collection method: clinical testing. Allele origin: germline.

Ambry Genetics
Classification: Likely benign for Hereditary cancer-predisposing syndrome. Last evaluated: 2015-09-09. Review status: criteria provided, single submitter. Criteria: Ambry Variant Classification Scheme 2023. Collection method: clinical testing. Allele origin: germline.

PreventionGenetics, part of Exact Sciences
Classification: Likely benign. Review status: criteria provided, single submitter. Criteria: ACMG Guidelines, 2015. Collection method: clinical testing. Allele origin: germline.

Literature cited by the submitters: PubMed 25974357 (cited by Quest Diagnostics Nichols Institute San Juan Capistrano).